The following is an entry in ClinVar:

NM_173483.4(CYP4F22):c.382A>G (p.Lys128Glu)

Gene: CYP4F22 (cytochrome P450 family 4 subfamily F member 22; plus strand). Cytogenetic location: 19p13.12.
Variant type: single nucleotide variant.
Coding change: c.382A>G on transcript NM_173483.4 (MANE Select); coding-DNA position 382, A replaced by G.
Protein change: p.Lys128Glu; replaces lysine 128 with glutamic acid.
Molecular consequence: missense variant.
Genome position (GRCh38, 1-based): chr19:15,537,375, A>G. VCF-style: chr19-15537375-A-G. GRCh37 (hg19) VCF-style: chr19-15648186-A-G.
Other names: short protein forms K128E.
Identifiers: ClinVar variation 4055962 (VCV004055962.1).

ClinVar aggregate classification (germline): Uncertain significance (1 of 4 stars; one submission).

gnomAD v4.1: 3 of 1,614,138 alleles (0.00019%); highest among the groups gnomAD compares: South Asian, 0.0022%; no homozygotes.

Submission:

GeneDx
Classification: Uncertain significance. Last evaluated: 2025-01-02. Review status: criteria provided, single submitter. Criteria: GeneDx Variant Classification Process June 2021. Collection method: clinical testing. Allele origin: germline. Affected: yes.
Comment: Has not been previously published as pathogenic or benign to our knowledge; Not observed at significant frequency in large population cohorts (gnomAD); In silico analysis supports that this missense variant has a deleterious effect on protein structure/function